The following is an entry in ClinVar:

NM_001277115.2(DNAH11):c.12329C>A (p.Pro4110His)

Gene: DNAH11 (dynein axonemal heavy chain 11; plus strand). Cytogenetic location: 7p15.3.
Variant type: single nucleotide variant.
Coding change: c.12329C>A on transcript NM_001277115.2 (MANE Select); coding-DNA position 12329, C replaced by A.
Protein change: p.Pro4110His; replaces proline 4110 with histidine.
Molecular consequence: missense variant.
Genome position (GRCh38, 1-based): chr7:21,880,835, C>A. VCF-style: chr7-21880835-C-A. GRCh37 (hg19) VCF-style: chr7-21920453-C-A.
Other names: short protein forms P4110H.
Identifiers: ClinVar variation 525429 (VCV000525429.9), dbSNP rs753983449, ClinGen allele CA4183037.
Genomic context (GRCh38, chr7:21,880,835, plus strand): 5'-GTGTTGCTGGGAGACTGAGGTTTGGCCCCCAGGGCTGGAGCCGAAGCTATCCTTTTAATC[C>A]TGGAGACCTCACCATTTGTGCCAGTGTCCTCTACAACTACTTAGAGGCAAACTCTAAAGT-3'
Protein context (NP_001264044.1, residues 4100-4120): QGWSRSYPFN[Pro4110His]GDLTICASVL

ClinVar aggregate classification (germline): Conflicting classifications of pathogenicity. Review status: criteria provided, conflicting classifications (1 of 4 stars). 2 submissions from 2 submitters: Uncertain significance (1); Benign (1). Last evaluated 2025-10-06.

Conditions:
Primary ciliary dyskinesia. Also called: Ciliary dyskinesia. Identifiers: Orphanet 244, MedGen C0008780, MONDO:0016575, HP:0012265.

Allele frequency attached by ClinVar (database versions not stated): gnomAD 0.00001; gnomAD exomes 0.00001; ExAC 0.00002; TOPMed 0.00003.
gnomAD v4.1: 13 of 1,613,744 alleles (0.00081%); highest among the groups gnomAD compares: Admixed American, 0.017%; no homozygotes.

Submissions (2):

Labcorp Genetics (formerly Invitae), Labcorp
Classification: Benign for Primary ciliary dyskinesia. Last evaluated: 2025-10-06. Review status: criteria provided, single submitter. Criteria: Invitae Variant Classification Sherloc (09022015). Collection method: clinical testing. Allele origin: germline.

Ambry Genetics
Classification: Uncertain significance for Primary ciliary dyskinesia. Last evaluated: 2021-09-09. Review status: criteria provided, single submitter. Criteria: Ambry Variant Classification Scheme 2023. Collection method: clinical testing. Allele origin: germline.
Comment: The p.P4110H variant (also known as c.12329C>A), located in coding exon 75 of the DNAH11 gene, results from a C to A substitution at nucleotide position 12329. The proline at codon 4110 is replaced by histidine, an amino acid with similar properties. This amino acid position is conserved. In addition, this alteration is predicted to be tolerated by in silico analysis. Since supporting evidence is limited at this time, the clinical significance of this alteration remains unclear.